The following is an entry in ClinVar:

NM_001374736.1(DST):c.4650C>T (p.Ser1550=)

Gene: DST (dystonin; minus strand). Cytogenetic location: 6p12.1.
Variant type: single nucleotide variant.
Coding change: c.4650C>T on transcript NM_001374736.1 (MANE Select); coding-DNA position 4650, C replaced by T.
Protein change: p.Ser1550=; no amino-acid change (serine 1550 retained).
Molecular consequence: synonymous variant.
Genome position (GRCh38, 1-based): chr6:56,627,276, G>A on the plus strand (C>T on the coding strand, the complement: DST is on the minus strand). VCF-style: chr6-56627276-G-A. GRCh37 (hg19) VCF-style: chr6-56492074-G-A.
Other names: c.4551C>T, p.Ser1517= (NM_001144769.5); c.4137C>T, p.Ser1379= (NM_001144770.2); c.4650C>T, p.Ser1550= (NM_001374722.1); c.4017C>T, p.Ser1339= (NM_001374729.1, NM_001374730.1, NM_001386100.1 and 1 more transcripts); c.4677C>T, p.Ser1559= (NM_001374734.1); c.3039C>T, p.Ser1013= (NM_001723.7, NM_015548.5).
Identifiers: ClinVar variation 541488 (VCV000541488.18), dbSNP rs138607224, ClinGen allele CA3870839.

ClinVar aggregate classification (germline): Likely benign. Review status: criteria provided, multiple submitters, no conflicts (2 of 4 stars). 3 submissions from 3 submitters: Likely benign (2). 1 of the submissions does not count toward it. Last evaluated 2026-01-15.

Conditions:
DST-related disorder. Also called: DST-related condition; DST-related disorders.
Epidermolysis bullosa simplex 3, localized or generalized intermediate, with BP230 deficiency (EBS3). Also called: Epidermolysis bullosa simplex, autosomal recessive 2; Epidermolysis bullosa simplex due to BP230 deficiency. Identifiers: Orphanet 412181, MedGen C3809470, MONDO:0014180, OMIM 615425.
Hereditary sensory and autonomic neuropathy type 6. Also called: HSAN VI; Neuropathy, hereditary sensory and autonomic, type VI. Identifiers: Orphanet 314381, MedGen C3539003, MONDO:0013839, OMIM 614653.

Allele frequency attached by ClinVar (database versions not stated): gnomAD exomes 0.00003 and 0.00009; ExAC 0.00012; TOPMed 0.00024; gnomAD 0.00027 and 0.00029; 1000 Genomes Project 0.00040; 1000 Genomes Project 30x 0.00031; ESP Exome Variant Server 0.00031.
gnomAD v4.1: 106 of 1,610,902 alleles (0.0066%); highest among the groups gnomAD compares: African/African-American, 0.044%; 1 homozygote.

Submissions (3):

Labcorp Genetics (formerly Invitae), Labcorp
Classification: Likely benign for Epidermolysis bullosa simplex 3, localized or generalized intermediate, with BP230 deficiency; Hereditary sensory and autonomic neuropathy type 6. Last evaluated: 2026-01-15. Review status: criteria provided, single submitter. Criteria: Invitae Variant Classification Sherloc (09022015). Collection method: clinical testing. Allele origin: germline.

Blueprint Genetics
Classification: Likely benign. Last evaluated: 2024-08-06. Review status: criteria provided, single submitter. Criteria: ACMG Guidelines, 2015. Collection method: clinical testing. Allele origin: germline.

PreventionGenetics, part of Exact Sciences
Classification: Likely benign for DST-related condition. Last evaluated: 2019-02-20. Review status: no assertion criteria provided. Collection method: clinical testing. Allele origin: germline. Not counted in ClinVar's aggregate classification.
Comment: This variant is classified as likely benign based on ACMG/AMP sequence variant interpretation guidelines (Richards et al. 2015 PMID: 25741868, with internal and published modifications).